The following is an entry in ClinVar:

NM_005554.4(KRT6A):c.1157G>A (p.Arg386His)

Gene: KRT6A (keratin 6A; minus strand). Cytogenetic location: 12q13.13.
Variant type: single nucleotide variant.
Coding change: c.1157G>A on transcript NM_005554.4 (MANE Select); coding-DNA position 1157, G replaced by A.
Protein change: p.Arg386His; replaces arginine 386 with histidine.
Molecular consequence: missense variant.
Genome position (GRCh38, 1-based): chr12:52,489,989, C>T on the plus strand (G>A on the coding strand, the complement: KRT6A is on the minus strand). VCF-style: chr12-52489989-C-T. GRCh37 (hg19) VCF-style: chr12-52883773-C-T.
Other names: short protein forms R386H.
Identifiers: ClinVar variation 1312601 (VCV001312601.5), dbSNP rs371739150, ClinGen allele CA6581956.

ClinVar aggregate classification (germline): Conflicting classifications of pathogenicity. Review status: criteria provided, conflicting classifications (1 of 4 stars). 3 submissions from 3 submitters: Uncertain significance (2); Likely benign (1). Last evaluated 2024-08-28.

Conditions:
Pachyonychia congenita 3 (PC3). Also called: KRT6A-Related Pachyonychia Congenita; PC-K6a. Identifiers: Orphanet 2309, MedGen C3714948, MONDO:0014324, OMIM 615726.

Allele frequency attached by ClinVar (database versions not stated): gnomAD exomes 0.00021; ESP Exome Variant Server 0.00038; 1000 Genomes Project 0.00140; 1000 Genomes Project 30x 0.00141; gnomAD 0.00013 and 0.00006; ExAC 0.00023.

Submissions (3):

Labcorp Genetics (formerly Invitae), Labcorp
Classification: Likely benign. Last evaluated: 2024-08-28. Review status: criteria provided, single submitter. Criteria: Invitae Variant Classification Sherloc (09022015). Collection method: clinical testing. Allele origin: germline.

Neuberg Centre For Genomic Medicine, NCGM
Classification: Uncertain significance for Pachyonychia congenita 3. Last evaluated: 2023-07-22. Review status: criteria provided, single submitter. Criteria: ACMG Guidelines, 2015. Collection method: clinical testing. Allele origin: germline. Inheritance: Autosomal dominant inheritance. Affected: yes.
Comment: The observed missense variant c.1157G>Ap.Arg386His in KRT6A gene has not been reported previously as a pathogenic variant nor as a benign variant, to our knowledge. The p.Arg386His variant is reported with 0.02% allele frequency in gnomAD Exomes. It has been submitted to ClinVar as Uncertain Significance. The amino acid Arg at position 386 is changed to a His changing protein sequence and it might alter its composition and physico-chemical properties. Multiple lines of computational evidence Polyphen-probably damaging, SIFT-damaging and Mutation Taster-disease causing predict a damaging effect on protein structure and function for this variant. The reference amino acid p.Arg386His in KRT6A is predicted as conserved by GERP++ and PhyloP across 100 vertebrates. For these reasons, this variant has been classified as Uncertain Significance.

GeneDx
Classification: Uncertain significance. Last evaluated: 2020-04-16. Review status: criteria provided, single submitter. Criteria: GeneDx Variant Classification Process June 2021. Collection method: clinical testing. Allele origin: germline. Affected: yes.
Comment: In silico analysis supports that this missense variant has a deleterious effect on protein structure/function; Located within the 2B helical region, but falls outside the know mutation hotspot regions; Has not been previously published as pathogenic or benign to our knowledge